The following is an entry in ClinVar:

NM_014679.5(CEP57):c.968A>G (p.Asn323Ser)

Gene: CEP57 (centrosomal protein 57; plus strand). Cytogenetic location: 11q21.
Variant type: single nucleotide variant.
Coding change: c.968A>G on transcript NM_014679.5 (MANE Select); coding-DNA position 968, A replaced by G.
Protein change: p.Asn323Ser; replaces asparagine 323 with serine.
Molecular consequence: missense variant.
Genome position (GRCh38, 1-based): chr11:95,827,868, A>G. VCF-style: chr11-95827868-A-G. GRCh37 (hg19) VCF-style: chr11-95561032-A-G.
Other names: c.941A>G, p.Asn314Ser (NM_001243776.2); c.890A>G, p.Asn297Ser (NM_001243777.2); c.887A>G, p.Asn296Ser (NM_001363604.2); c.968A>G (NM_014679.4); short protein forms N297S, N296S, N314S, N323S.
Identifiers: ClinVar variation 1423561 (VCV001423561.7), dbSNP rs1266159669, ClinGen allele CA382407819.

ClinVar aggregate classification (germline): Uncertain significance. Review status: criteria provided, multiple submitters, no conflicts (2 of 4 stars). 2 submissions from 2 submitters: Uncertain significance (2). Last evaluated 2025-03-12.

Conditions:
Mosaic variegated aneuploidy syndrome 2 (MVA2). Identifiers: Orphanet 1052, MedGen C3279843, MONDO:0013582, OMIM 614114.
Inborn genetic diseases. Identifiers: MedGen C0950123, MeSH D030342.

Allele frequency attached by ClinVar (database versions not stated): gnomAD exomes below 0.00001; TOPMed below 0.00001; gnomAD 0.00001.
gnomAD v4.1: 7 of 1,614,002 alleles (0.00043%); highest among the groups gnomAD compares: Admixed American, 0.0017%; no homozygotes.

Submissions (2):

Ambry Genetics
Classification: Uncertain significance for Inborn genetic diseases. Last evaluated: 2025-03-12. Review status: criteria provided, single submitter. Criteria: Ambry Variant Classification Scheme 2023. Collection method: clinical testing. Allele origin: germline.
Comment: The p.N323S variant (also known as c.968A>G), located in coding exon 9 of the CEP57 gene, results from an A to G substitution at nucleotide position 968. The asparagine at codon 323 is replaced by serine, an amino acid with highly similar properties. This amino acid position is conserved. In addition, this alteration is predicted to be tolerated by in silico analysis. Based on the available evidence, the clinical significance of this variant remains unclear.

Labcorp Genetics (formerly Invitae), Labcorp
Classification: Uncertain significance for Mosaic variegated aneuploidy syndrome 2. Last evaluated: 2022-08-23. Review status: criteria provided, single submitter. Criteria: Invitae Variant Classification Sherloc (09022015). Collection method: clinical testing. Allele origin: germline.
Comment: This variant is present in population databases (no rsID available, gnomAD 0.003%). This sequence change replaces asparagine, which is neutral and polar, with serine, which is neutral and polar, at codon 323 of the CEP57 protein (p.Asn323Ser). This variant has not been reported in the literature in individuals affected with CEP57-related conditions. In summary, the available evidence is currently insufficient to determine the role of this variant in disease. Therefore, it has been classified as a Variant of Uncertain Significance. Algorithms developed to predict the effect of missense changes on protein structure and function are either unavailable or do not agree on the potential impact of this missense change (SIFT: "Deleterious"; PolyPhen-2: "Benign"; Align-GVGD: "Class C45"). ClinVar contains an entry for this variant (Variation ID: 1423561).